The following is an entry in ClinVar:

NM_000132.4(F8):c.6429+2T>C

Gene: F8 (coagulation factor VIII; minus strand). Cytogenetic location: Xq28.
Variant type: single nucleotide variant.
Coding change: c.6429+2T>C on transcript NM_000132.4 (MANE Select); the canonical splice donor site of the intron after coding-DNA position 6429, T replaced by C.
Molecular consequence: splice donor variant.
Genome position (GRCh38, 1-based): chrX:154,896,075, A>G on the plus strand (T>C on the coding strand, the complement: F8 is on the minus strand). VCF-style: chrX-154896075-A-G. GRCh37 (hg19) VCF-style: chrX-154124350-A-G.
Other names: p.?.
Identifiers: ClinVar variation 4542515 (VCV004542515.1).

ClinVar aggregate classification (germline): Pathogenic (1 of 4 stars; one submission).

Submission:

Mayo Clinic Laboratories, Mayo Clinic
Classification: Pathogenic. Last evaluated: 2025-03-12. Review status: criteria provided, single submitter. Criteria: ACMG Guidelines, 2015. Collection method: clinical testing. Allele origin: germline. Observed: 1 variant allele.
Comment: PM2_supporting, PS1, PVS1_strong